The following is an entry in ClinVar:

ClinVar aggregate classification (germline): Uncertain significance (1 of 4 stars; one submission).

Conditions:
Severe early-childhood-onset retinal dystrophy (STGD1). Also called: Stargardt macular dystrophy; Juvenile onset macular degeneration; Stargardt disease 1; MACULAR DYSTROPHY WITH FLECKS, TYPE 1; STGD. Identifiers: Orphanet 364055, Orphanet 827, MedGen C1855465, MeSH D000080362, MONDO:0009549, OMIM 248200.

Submission:

Neuberg Centre For Genomic Medicine, NCGM
Classification: Uncertain significance for Severe early-childhood-onset retinal dystrophy. Last evaluated: 2023-05-20. Review status: criteria provided, single submitter. Criteria: ACMG Guidelines, 2015. Collection method: clinical testing. Allele origin: germline. Inheritance: Autosomal recessive inheritance. Affected: yes.
Comment: The missense c.6083C>G (p.Thr2028Arg) variant in the ABCA4 gene has not been reported previously as a pathogenic variant nor as a benign variant, to our knowledge. This variant is absent in the gnomAD Exomes. The amino acid Threonine at position 2028 is changed to a Arginine changing protein sequence and it might alter its composition and physico-chemical properties. Multiple lines of computational evidence (Polyphen - Probably damaging, SIFT – Damaging and MutationTaster - Disease causing) predict a damaging effect on protein structure and function for this variant. The amino acid Threonine in ABCA4 is predicted as conserved by GERP++ and PhyloP across 100 vertebrates. For these reasons, this variant has been classified as Uncertain Significance.

NM_000350.3(ABCA4):c.6083C>G (p.Thr2028Arg)

Gene: ABCA4 (ATP binding cassette subfamily A member 4; minus strand). Cytogenetic location: 1p22.1.
Variant type: single nucleotide variant.
Coding change: c.6083C>G on transcript NM_000350.3 (MANE Select); coding-DNA position 6083, C replaced by G.
Protein change: p.Thr2028Arg; replaces threonine 2028 with arginine.
Molecular consequence: missense variant.
Genome position (GRCh38, 1-based): chr1:94,005,505, G>C on the plus strand (C>G on the coding strand, the complement: ABCA4 is on the minus strand). VCF-style: chr1-94005505-G-C. GRCh37 (hg19) VCF-style: chr1-94471061-G-C.
Other names: c.5861C>G, p.Thr1954Arg (NM_001425324.1); short protein forms T1954R, T2028R.
Identifiers: ClinVar variation 3367083 (VCV003367083.1).